The following is an entry in ClinVar:

NM_000283.4(PDE6B):c.1723-2A>G

Gene: PDE6B (phosphodiesterase 6B; plus strand). Cytogenetic location: 4p16.3.
Variant type: single nucleotide variant.
Coding change: c.1723-2A>G on transcript NM_000283.4 (MANE Select); the canonical splice acceptor site of the intron before coding-DNA position 1723, A replaced by G.
Molecular consequence: splice acceptor variant.
Genome position (GRCh38, 1-based): chr4:662,507, A>G. VCF-style: chr4-662507-A-G. GRCh37 (hg19) VCF-style: chr4-656296-A-G.
Other names: c.886-2A>G (NM_001379247.1, NM_001145292.2, NM_001350154.3 and 1 more transcripts); c.568-2A>G (NM_001350155.3); c.1723-2A>G (NM_001145291.2).
Identifiers: ClinVar variation 2030300 (VCV002030300.4), dbSNP rs2474268824, ClinGen allele CA355917167.

ClinVar aggregate classification (germline): Likely pathogenic (1 of 4 stars; one submission).

Submission:

Labcorp Genetics (formerly Invitae), Labcorp
Classification: Likely pathogenic. Last evaluated: 2022-09-13. Review status: criteria provided, single submitter. Criteria: Invitae Variant Classification Sherloc (09022015). Collection method: clinical testing. Allele origin: germline.
Comment: This sequence change affects an acceptor splice site in intron 13 of the PDE6B gene. It is expected to disrupt RNA splicing. Variants that disrupt the donor or acceptor splice site typically lead to a loss of protein function (PMID: 16199547), and loss-of-function variants in PDE6B are known to be pathogenic (PMID: 8394174, 8595886, 22334370). This variant is not present in population databases (gnomAD no frequency). This variant has not been reported in the literature in individuals affected with PDE6B-related conditions. Algorithms developed to predict the effect of sequence changes on RNA splicing suggest that this variant may disrupt the consensus splice site. In summary, the currently available evidence indicates that the variant is pathogenic, but additional data are needed to prove that conclusively. Therefore, this variant has been classified as Likely Pathogenic.

Literature cited by the submitters: PubMed 16199547; PubMed 8394174; PubMed 8595886; PubMed 22334370.